The following is an entry in ClinVar:

ClinVar aggregate classification (germline): Pathogenic (1 of 4 stars; one submission).

Submission:

Labcorp Genetics (formerly Invitae), Labcorp
Classification: Pathogenic. Last evaluated: 2023-03-14. Review status: criteria provided, single submitter. Criteria: Invitae Variant Classification Sherloc (09022015). Collection method: clinical testing. Allele origin: germline.
Comment: This sequence change creates a premature translational stop signal (p.Asn1618Glnfs*76) in the POLE gene. It is expected to result in an absent or disrupted protein product. Loss-of-function variants in POLE are known to be pathogenic (PMID: 23230001, 25948378, 30503519). This variant is not present in population databases (gnomAD no frequency). This variant has not been reported in the literature in individuals affected with POLE-related conditions. For these reasons, this variant has been classified as Pathogenic.

Literature cited by the submitters: PubMed 23230001; PubMed 25948378; PubMed 30503519.

NM_006231.4(POLE):c.4851dup (p.Asn1618fs)

Gene: POLE (DNA polymerase epsilon, catalytic subunit; minus strand). Cytogenetic location: 12q24.33.
Variant type: Duplication.
Coding change: c.4851dup on transcript NM_006231.4 (MANE Select); coding-DNA position 4851, one base duplicated (C; older notation c.4851dupC).
Protein change: p.Asn1618fs; shifts the reading frame from asparagine 1618.
Molecular consequence: frameshift variant.
Genome position (GRCh38, 1-based): chr12:132,642,607, G duplicated on the plus strand (C on the coding strand, the reverse complement: POLE is on the minus strand). VCF-style (leftmost placement, unchanged base first): chr12-132642606-T-TG. GRCh37 (hg19) VCF-style: chr12-133219192-T-TG.
Other names: short protein forms N1618fs.
Identifiers: ClinVar variation 2845785 (VCV002845785.3), dbSNP rs2541885885, ClinGen allele CA2739277452.